The following is an entry in ClinVar:

NM_006648.4(WNK2):c.1337A>T (p.Asp446Val)

Gene: WNK2 (WNK lysine deficient protein kinase 2; plus strand). Cytogenetic location: 9q22.31.
Variant type: single nucleotide variant.
Coding change: c.1337A>T on transcript NM_006648.4 (MANE Select); coding-DNA position 1337, A replaced by T.
Protein change: p.Asp446Val; replaces aspartic acid 446 with valine.
Molecular consequence: missense variant.
Genome position (GRCh38, 1-based): chr9:93,239,771, A>T. VCF-style: chr9-93239771-A-T. GRCh37 (hg19) VCF-style: chr9-96002053-A-T.
Other names: c.1337A>T, p.Asp446Val (NM_001282394.3); short protein forms D446V.
Identifiers: ClinVar variation 3817252 (VCV003817252.1).
Genomic context (GRCh38, chr9:93,239,771, plus strand): 5'-AGGCCCTGGCGCCCGTGCCCCTGCCTGTCAGCTGCTCTCCCTCCAGGTACGAGATCAAAG[A>T]CCTGCTGAGCCACGCCTTCTTCGCAGAGGACACAGGCGTGAGGGTGGAGCTCGCGGAGGA-3'
Protein context (NP_006639.3, residues 436-456): KNKEERYEIK[Asp446Val]LLSHAFFAED

ClinVar aggregate classification (germline): Uncertain significance (1 of 4 stars; one submission).

gnomAD v4.1: 2 of 1,556,422 alleles (0.00013%); highest among the groups gnomAD compares: Non-Finnish European, 0.00017%; no homozygotes.

Submission:

Ambry Genetics
Classification: Uncertain significance. Last evaluated: 2025-03-10. Review status: criteria provided, single submitter. Criteria: Ambry Variant Classification Scheme 2023. Collection method: clinical testing. Allele origin: germline.
Comment: The p.D446V variant (also known as c.1337A>T), located in coding exon 6 of the WNK2 gene, results from an A to T substitution at nucleotide position 1337. The aspartic acid at codon 446 is replaced by valine, an amino acid with highly dissimilar properties. This amino acid position is conserved. In addition, the in silico prediction for this alteration is inconclusive. Based on the available evidence, the clinical significance of this variant remains unclear.